The following is an entry in ClinVar:

NM_005826.5(HNRNPR):c.565G>A (p.Gly189Arg)

Gene: HNRNPR (heterogeneous nuclear ribonucleoprotein R; minus strand). Cytogenetic location: 1p36.12.
Variant type: single nucleotide variant.
Coding change: c.565G>A on transcript NM_005826.5 (MANE Select); coding-DNA position 565, G replaced by A.
Protein change: p.Gly189Arg; replaces glycine 189 with arginine.
Molecular consequence: missense variant. On other transcripts: intron variant (1).
Genome position (GRCh38, 1-based): chr1:23,323,666, C>T on the plus strand (G>A on the coding strand, the complement: HNRNPR is on the minus strand). VCF-style: chr1-23323666-C-T. GRCh37 (hg19) VCF-style: chr1-23650159-C-T.
Other names: c.262G>A, p.Gly88Arg (NM_001102397.3, NM_001102399.3); c.565G>A, p.Gly189Arg (NM_001102398.3); c.451G>A, p.Gly151Arg (NM_001297620.2); c.148G>A, p.Gly50Arg (NM_001297622.2); c.196-2003G>A (NM_001297621.2); short protein forms G151R, G189R, G50R, G88R.
Identifiers: ClinVar variation 3365265 (VCV003365265.1).

ClinVar aggregate classification (germline): Uncertain significance (1 of 4 stars; one submission).

Submission:

GeneDx
Classification: Uncertain significance. Last evaluated: 2023-12-07. Review status: criteria provided, single submitter. Criteria: GeneDx Variant Classification Process June 2021. Collection method: clinical testing. Allele origin: germline. Affected: yes.
Comment: Not observed at significant frequency in large population cohorts (gnomAD); In silico analysis supports that this missense variant has a deleterious effect on protein structure/function; Has not been previously published as pathogenic or benign to our knowledge